The following is an entry in ClinVar:

ClinVar aggregate classification (germline): Pathogenic (1 of 4 stars; one submission).

Conditions:
Hereditary breast ovarian cancer syndrome. Also called: BRCA1- and BRCA2-Associated Hereditary Breast and Ovarian Cancer; Breast and ovarian cancer; Hereditary breast and ovarian cancer syndrome; Hereditary breast and ovarian cancer syndrome (HBOC); Hereditary breast and/or ovarian cancer syndrome; Hereditary breast and ovarian cancer. Identifiers: Orphanet 145, MedGen C0677776, MeSH D061325, MONDO:0003582. Disease mechanism: loss of function.

Submission:

Labcorp Genetics (formerly Invitae), Labcorp
Classification: Pathogenic for Hereditary breast ovarian cancer syndrome. Last evaluated: 2025-05-22. Review status: criteria provided, single submitter. Criteria: Invitae Variant Classification Sherloc (09022015). Collection method: clinical testing. Allele origin: germline.
Comment: This sequence change creates a premature translational stop signal (p.Gln1408Serfs*7) in the BRCA1 gene. It is expected to result in an absent or disrupted protein product. Loss-of-function variants in BRCA1 are known to be pathogenic (PMID: 20104584). This variant is not present in population databases (gnomAD no frequency). This variant has not been reported in the literature in individuals affected with BRCA1-related conditions. For these reasons, this variant has been classified as Pathogenic.

Literature cited by the submitters: PubMed 20104584.

NM_007294.4(BRCA1):c.4222del (p.Gln1408fs)

Gene: BRCA1 (BRCA1 DNA repair associated; minus strand). Cytogenetic location: 17q21.31.
Variant type: Deletion.
Coding change: c.4222del on transcript NM_007294.4 (MANE Select); coding-DNA position 4222, one base deleted (C; older notation c.4222delC).
Protein change: p.Gln1408fs; shifts the reading frame from glutamine 1408.
Molecular consequence: frameshift variant.
Genome position (GRCh38, 1-based): chr17:43,082,539, G deleted on the plus strand (C on the coding strand, the reverse complement: BRCA1 is on the minus strand); the first of 2 consecutive G bases (chr17:43,082,539-43,082,540); deleting either gives the same sequence. VCF-style (leftmost placement, unchanged base first): chr17-43082538-TG-T. GRCh37 (hg19) VCF-style: chr17-41234555-TG-T.
Other names: c.4219del, p.Gln1407fs (NM_001407640.1, NM_001407641.1, NM_001407642.1 and 21 more transcripts); c.703del, p.Gln235fs (NM_001408479.1, NM_001408480.1, NM_001408481.1 and 6 more transcripts); c.4216del, p.Gln1406fs (NM_001407644.1, NM_001407645.1, NM_001407627.1 and 5 more transcripts); c.700del, p.Gln234fs (NM_001408489.1, NM_001408492.1, NM_001408493.1 and 3 more transcripts); c.4099del, p.Gln1367fs (NM_001407648.1, NM_001407664.1, NM_001407665.1 and 13 more transcripts); c.4096del, p.Gln1366fs (NM_001407649.1, NM_001407670.1, NM_001407671.1 and 12 more transcripts); c.4210del, p.Gln1404fs (NM_001407646.1, NM_001407647.1); c.4009del, p.Gln1337fs (NM_001407571.1, NM_001407853.1, NM_001407894.1 and 12 more transcripts); and 51 more; short protein forms Q1112fs, Q1281fs, Q1360fs, Q1366fs, Q137fs, Q1381fs, Q1407fs, Q1408fs.
Identifiers: ClinVar variation 4714321 (VCV004714321.1).